The following is an entry in ClinVar:

ClinVar aggregate classification (germline): Uncertain significance (1 of 4 stars; one submission).

Conditions:
Developmental delay with variable intellectual impairment and behavioral abnormalities. Identifiers: MedGen C5193092, MONDO:0032745, OMIM 618430.

Submission:

Neuberg Centre For Genomic Medicine, NCGM
Classification: Uncertain significance for Developmental delay with variable intellectual impairment and behavioral abnormalities. Review status: criteria provided, single submitter. Criteria: ACMG Guidelines, 2015. Collection method: clinical testing. Allele origin: germline. Inheritance: Autosomal dominant inheritance. Affected: yes.
Comment: The observed missense c.4781G>A(p.Arg1594Lys) variant in TCF20 gene has not been reported previously as a pathogenic variant nor as a benign variant, to our knowledge. This variant is absent in gnomAD Exomes. The amino acid Arg at position 1594 is changed to a Lys changing protein sequence and it might alter its composition and physico-chemical properties. The amino acid change p.Arg1594Lys in TCF20 is predicted as conserved by GERP++ and PhyloP across 100 vertebrates. For these reasons, this variant has been classified as Uncertain Significance.

NM_001378418.1(TCF20):c.4781G>A (p.Arg1594Lys)

Gene: TCF20 (transcription factor 20; minus strand). Cytogenetic location: 22q13.2.
Variant type: single nucleotide variant.
Coding change: c.4781G>A on transcript NM_001378418.1 (MANE Select); coding-DNA position 4781, G replaced by A.
Protein change: p.Arg1594Lys; replaces arginine 1594 with lysine.
Molecular consequence: missense variant.
Genome position (GRCh38, 1-based): chr22:42,210,525, C>T on the plus strand (G>A on the coding strand, the complement: TCF20 is on the minus strand). VCF-style: chr22-42210525-C-T. GRCh37 (hg19) VCF-style: chr22-42606531-C-T.
Other names: c.4781G>A, p.Arg1594Lys (NM_005650.4, NM_181492.3); short protein forms R1594K.
Identifiers: ClinVar variation 3241990 (VCV003241990.1), dbSNP rs1177482406.